The following is an entry in ClinVar:

NM_004104.5(FASN):c.6806A>G (p.Tyr2269Cys)

Gene: FASN (fatty acid synthase; minus strand). Cytogenetic location: 17q25.3.
Variant type: single nucleotide variant.
Coding change: c.6806A>G on transcript NM_004104.5 (MANE Select); coding-DNA position 6806, A replaced by G.
Protein change: p.Tyr2269Cys; replaces tyrosine 2269 with cysteine.
Molecular consequence: missense variant.
Genome position (GRCh38, 1-based): chr17:82,080,712, T>C on the plus strand (A>G on the coding strand, the complement: FASN is on the minus strand). VCF-style: chr17-82080712-T-C. GRCh37 (hg19) VCF-style: chr17-80038588-T-C.
Other names: short protein forms Y2269C.
Identifiers: ClinVar variation 4797533 (VCV004797533.1).

ClinVar aggregate classification (germline): Uncertain significance (1 of 4 stars; one submission).

Conditions:
Epileptic encephalopathy. Identifiers: MedGen C0543888, HP:0200134.

Submission:

Labcorp Genetics (formerly Invitae), Labcorp
Classification: Uncertain significance for Epileptic encephalopathy. Last evaluated: 2025-09-13. Review status: criteria provided, single submitter. Criteria: Invitae Variant Classification Sherloc (09022015). Collection method: clinical testing. Allele origin: germline.
Comment: This sequence change replaces tyrosine, which is neutral and polar, with cysteine, which is neutral and slightly polar, at codon 2269 of the FASN protein (p.Tyr2269Cys). This variant is not present in population databases (gnomAD no frequency). This variant has not been reported in the literature in individuals affected with FASN-related conditions. An algorithm developed to predict the effect of missense changes on protein structure and function (PolyPhen-2) suggests that this variant is likely to be disruptive. In summary, the available evidence is currently insufficient to determine the role of this variant in disease. Therefore, it has been classified as a Variant of Uncertain Significance.